The following is an entry in ClinVar:

ClinVar aggregate classification (germline): Likely benign. Review status: criteria provided, multiple submitters, no conflicts (2 of 4 stars). 2 submissions from 2 submitters: Likely benign (2). Last evaluated 2025-12-07.

Conditions:
Autosomal recessive limb-girdle muscular dystrophy type 2J (LGMDR10). Also called: Limb-girdle muscular dystrophy, type 2J; MUSCULAR DYSTROPHY, LIMB-GIRDLE, AUTOSOMAL RECESSIVE 10. Identifiers: Orphanet 140922, MedGen C1837342, MONDO:0012127, OMIM 608807.
Dilated cardiomyopathy 1G (CMD1G). Identifiers: Orphanet 154, MedGen C1858763, MONDO:0011400, OMIM 604145.

Allele frequency attached by ClinVar (database versions not stated): TOPMed below 0.00001; gnomAD 0.00001; gnomAD exomes 0.00001.
gnomAD v4.1: 12 of 1,604,046 alleles (0.00075%); highest among the groups gnomAD compares: Non-Finnish European, 0.001%; no homozygotes.

Submissions (2):

Labcorp Genetics (formerly Invitae), Labcorp
Classification: Likely benign for Dilated cardiomyopathy 1G; Autosomal recessive limb-girdle muscular dystrophy type 2J. Last evaluated: 2025-12-07. Review status: criteria provided, single submitter. Criteria: Invitae Variant Classification Sherloc (09022015). Collection method: clinical testing. Allele origin: germline.

Laboratory for Molecular Medicine, Mass General Brigham Personalized Medicine
Classification: Likely benign. Last evaluated: 2015-04-07. Review status: criteria provided, single submitter. Criteria: LMM Criteria. Collection method: clinical testing. Allele origin: germline. Observed: 1 variant allele.
Comment: p.Ser6279Ser in exon 75 of TTN: This variant is not expected to have clinical si gnificance because it does not alter an amino acid residue and is not located wi thin the splice consensus sequence.

NM_001267550.2(TTN):c.22569T>C (p.Ser7523=)

Gene: TTN (titin; minus strand). Cytogenetic location: 2q31.2.
Variant type: single nucleotide variant.
Coding change: c.22569T>C on transcript NM_001267550.2 (MANE Select); coding-DNA position 22569, T replaced by C.
Protein change: p.Ser7523=; no amino-acid change (serine 7523 retained).
Molecular consequence: synonymous variant. On other transcripts: intron variant (3).
Genome position (GRCh38, 1-based): chr2:178,722,094, A>G on the plus strand (T>C on the coding strand, the complement: TTN is on the minus strand). VCF-style: chr2-178722094-A-G. GRCh37 (hg19) VCF-style: chr2-179586821-A-G.
Other names: c.18837T>C, p.Ser6279= (NM_133378.4); c.21618T>C, p.Ser7206= (NM_001256850.1); c.13282+15988T>C (NM_003319.4); c.13858+15988T>C (NM_133437.4); c.13657+15988T>C (NM_133432.3).
Identifiers: ClinVar variation 228067 (VCV000228067.6), dbSNP rs761651834, ClinGen allele CA10576552.